The following is an entry in ClinVar:

NM_020778.4:c.370G>T

Gene: ALPK3 (alpha kinase 3; plus strand).
Variant type: single nucleotide variant.
Identifiers: ClinVar variation 4089124 (VCV004089124.1).

ClinVar aggregate classification (germline): Uncertain significance (1 of 4 stars; one submission).

Conditions:
Cardiovascular phenotype. Identifiers: MedGen CN230736.

Submission:

Ambry Genetics
Classification: Uncertain significance for Cardiovascular phenotype. Last evaluated: 2025-08-12. Review status: criteria provided, single submitter. Criteria: Ambry Variant Classification Scheme 2023. Collection method: clinical testing. Allele origin: germline.
Comment: The p.G124W variant (also known as c.370G>T), located in coding exon 1 of the ALPK3 gene, results from a G to T substitution at nucleotide position 370. The glycine at codon 124 is replaced by tryptophan, an amino acid with highly dissimilar properties. This amino acid position is conserved. In addition, this alteration is predicted to be tolerated by in silico analysis. Based on the available evidence, the clinical significance of this variant remains unclear.